The following is an entry in ClinVar:

ClinVar aggregate classification (germline): Uncertain significance (1 of 4 stars; one submission).

Conditions:
Charlevoix-Saguenay spastic ataxia (SACS). Also called: SPASTIC ATAXIA 6, AUTOSOMAL RECESSIVE; AUTOSOMAL RECESSIVE SPASTIC ATAXIA OF CHARLEVOIX-SAGUENAY; Spastic ataxia of Charlevoix-Saguenay. Identifiers: Orphanet 98, MedGen C1849140, MONDO:0010041, OMIM 270550.

Submission:

Myriad Genetics, Inc.
Classification: Uncertain significance for Charlevoix-Saguenay spastic ataxia. Last evaluated: 2025-09-26. Review status: criteria provided, single submitter. Criteria: Myriad Autosomal Dominant, Autosomal Recessive and X-Linked Classification Criteria (2023). Collection method: clinical testing. Allele origin: unknown.
Comment: NM_014363.4(SACS):c.6599A>T(D2200V) is a missense variant classified as a variant of uncertain significance in the context of autosomal recessive spastic ataxia of Charlevoix-Saguenay. D2200V has been observed in a case with relevant disease (PMID: 31741144). Relevant functional assessments of this variant are not available in the literature. D2200V has not been observed in referenced population frequency databases. In summary, there is insufficient evidence to classify NM_014363.4(SACS):c.6599A>T(D2200V) as pathogenic or benign. Please note: this variant was assessed in the context of healthy population screening.

Literature cited by the submitters: PubMed 31741144.

NM_014363.6(SACS):c.6599A>T (p.Asp2200Val)

Gene: SACS (sacsin molecular chaperone; minus strand). Cytogenetic location: 13q12.12.
Variant type: single nucleotide variant.
Coding change: c.6599A>T on transcript NM_014363.6 (MANE Select); coding-DNA position 6599, A replaced by T.
Protein change: p.Asp2200Val; replaces aspartic acid 2200 with valine.
Molecular consequence: missense variant.
Genome position (GRCh38, 1-based): chr13:23,337,277, T>A on the plus strand (A>T on the coding strand, the complement: SACS is on the minus strand). VCF-style: chr13-23337277-T-A. GRCh37 (hg19) VCF-style: chr13-23911416-T-A.
Other names: c.6158A>T, p.Asp2053Val (NM_001278055.2); c.6626A>T, p.Asp2209Val (NM_001437336.1); short protein forms D2053V, D2200V, D2209V.
Identifiers: ClinVar variation 5003738 (VCV005003738.1).